The following is an entry in ClinVar:

NM_000275.3(OCA2):c.58C>T (p.Leu20=)

Gene: OCA2 (OCA2 melanosomal transmembrane protein; minus strand). Cytogenetic location: 15q13.1.
Variant type: single nucleotide variant.
Coding change: c.58C>T on transcript NM_000275.3 (MANE Select); coding-DNA position 58, C replaced by T.
Protein change: p.Leu20=; no amino-acid change (leucine 20 retained).
Molecular consequence: synonymous variant.
Genome position (GRCh38, 1-based): chr15:28,081,817, G>A on the plus strand (C>T on the coding strand, the complement: OCA2 is on the minus strand). VCF-style: chr15-28081817-G-A. GRCh37 (hg19) VCF-style: chr15-28326963-G-A.
Other names: c.58C>T, p.Leu20= (NM_001300984.2).
Identifiers: ClinVar variation 1666373 (VCV001666373.9), dbSNP rs748332005, ClinGen allele CA7439603.

ClinVar aggregate classification (germline): Likely benign. Review status: criteria provided, multiple submitters, no conflicts (2 of 4 stars). 2 submissions from 2 submitters: Likely benign (2). Last evaluated 2026-07-01.

Allele frequency attached by ClinVar (database versions not stated): gnomAD 0.00001; TOPMed 0.00001.
gnomAD v4.1: 13 of 1,612,092 alleles (0.00081%); highest among the groups gnomAD compares: African/African-American, 0.008%; no homozygotes.

Submissions (2):

CeGaT Center for Human Genetics Tuebingen
Classification: Likely benign. Last evaluated: 2026-07-01. Review status: criteria provided, single submitter. Criteria: CeGaT Center For Human Genetics Tuebingen Variant Classification Criteria Version 2. Collection method: clinical testing. Allele origin: germline. Affected: yes. Observed: 1 variant allele.
Comment: OCA2: BP4, BP7

Labcorp Genetics (formerly Invitae), Labcorp
Classification: Likely benign. Last evaluated: 2025-09-08. Review status: criteria provided, single submitter. Criteria: Invitae Variant Classification Sherloc (09022015). Collection method: clinical testing. Allele origin: germline.